The following is an entry in ClinVar:

ClinVar aggregate classification (germline): Uncertain significance. Review status: criteria provided, multiple submitters, no conflicts (2 of 4 stars). 2 submissions from 2 submitters: Uncertain significance (2). Last evaluated 2025-08-26.

Conditions:
Inborn genetic diseases. Identifiers: MedGen C0950123, MeSH D030342.
Progressive sclerosing poliodystrophy (MTDPS4A). Also called: Mitochondrial DNA Depletion Syndrome 4A; Alpers-Huttenlocher Syndrome (AHS); ALPERS PROGRESSIVE INFANTILE POLIODYSTROPHY; NEURONAL DEGENERATION OF CHILDHOOD WITH LIVER DISEASE, PROGRESSIVE; Alpers Syndrome; ALPERS DIFFUSE DEGENERATION OF CEREBRAL GRAY MATTER WITH HEPATIC CIRRHOSIS. Identifiers: Orphanet 726, MedGen C0205710, MONDO:0008758, OMIM 203700.

Allele frequency attached by ClinVar (database versions not stated): gnomAD exomes below 0.00001; ExAC 0.00001.

Submissions (2):

Ambry Genetics
Classification: Uncertain significance for Inborn genetic diseases. Last evaluated: 2025-08-26. Review status: criteria provided, single submitter. Criteria: Ambry Variant Classification Scheme 2023. Collection method: clinical testing. Allele origin: germline.

Labcorp Genetics (formerly Invitae), Labcorp
Classification: Uncertain significance for Progressive sclerosing poliodystrophy. Last evaluated: 2023-04-07. Review status: criteria provided, single submitter. Criteria: Invitae Variant Classification Sherloc (09022015). Collection method: clinical testing. Allele origin: germline.
Comment: This variant is present in population databases (rs759052496, gnomAD 0.01%). This variant has not been reported in the literature in individuals affected with POLG-related conditions. ClinVar contains an entry for this variant (Variation ID: 2059167). Advanced modeling of protein sequence and biophysical properties (such as structural, functional, and spatial information, amino acid conservation, physicochemical variation, residue mobility, and thermodynamic stability) performed at Invitae indicates that this missense variant is not expected to disrupt POLG protein function. In summary, the available evidence is currently insufficient to determine the role of this variant in disease. Therefore, it has been classified as a Variant of Uncertain Significance. This sequence change replaces lysine, which is basic and polar, with glutamic acid, which is acidic and polar, at codon 327 of the POLG protein (p.Lys327Glu).

NM_002693.3(POLG):c.979A>G (p.Lys327Glu)

Gene: POLG (DNA polymerase gamma, catalytic subunit; minus strand). Cytogenetic location: 15q26.1.
Variant type: single nucleotide variant.
Coding change: c.979A>G on transcript NM_002693.3 (MANE Select); coding-DNA position 979, A replaced by G.
Protein change: p.Lys327Glu; replaces lysine 327 with glutamic acid.
Molecular consequence: missense variant.
Genome position (GRCh38, 1-based): chr15:89,328,987, T>C on the plus strand (A>G on the coding strand, the complement: POLG is on the minus strand). VCF-style: chr15-89328987-T-C. GRCh37 (hg19) VCF-style: chr15-89872218-T-C.
Other names: c.979A>G, p.Lys327Glu (NM_001126131.2); short protein forms K327E.
Identifiers: ClinVar variation 2059167 (VCV002059167.5), dbSNP rs759052496, ClinGen allele CA7724985.